The following is an entry in ClinVar:

NM_033028.5(BBS4):c.458A>C (p.Lys153Thr)

Gene: BBS4 (Bardet-Biedl syndrome 4; plus strand). Cytogenetic location: 15q24.1.
Variant type: single nucleotide variant.
Coding change: c.458A>C on transcript NM_033028.5 (MANE Select); coding-DNA position 458, A replaced by C.
Protein change: p.Lys153Thr; replaces lysine 153 with threonine.
Molecular consequence: missense variant. On other transcripts: 5 prime UTR variant (1), non-coding transcript variant (2).
Genome position (GRCh38, 1-based): chr15:72,722,846, A>C. VCF-style: chr15-72722846-A-C. GRCh37 (hg19) VCF-style: chr15-73015187-A-C.
Other names: c.-59A>C (NM_001252678.2); c.458A>C, p.Lys153Thr (NM_001320665.2); short protein forms K153T.
Identifiers: ClinVar variation 4998613 (VCV004998613.1).

ClinVar aggregate classification (germline): Uncertain significance (1 of 4 stars; one submission).

Conditions:
BBS4-related disorder. Also called: BBS4-related condition.

Submission:

PreventionGenetics, part of Exact Sciences
Classification: Uncertain significance for BBS4-related condition. Last evaluated: 2025-01-29. Review status: criteria provided, single submitter. Criteria: ACMG Guidelines, 2015. Collection method: clinical testing. Allele origin: germline.
Comment: The BBS4 c.458A>C variant is predicted to result in the amino acid substitution p.Lys153Thr. To our knowledge, this variant has not been reported in the literature or in a large population database (gnomAD), indicating this variant is rare. At this time, the clinical significance of this variant is uncertain due to the absence of conclusive functional and genetic evidence.